The following is an entry in ClinVar:

ClinVar aggregate classification (germline): Benign (1 of 4 stars; one submission).

Allele frequency attached by ClinVar (database versions not stated): 1000 Genomes Project 0.00080; 1000 Genomes Project 30x 0.00094.
gnomAD v4.1: 272 of 1,612,624 alleles (0.017%); highest among the groups gnomAD compares: South Asian, 0.28%; no homozygotes.

Submission:

CeGaT Center for Human Genetics Tuebingen
Classification: Benign. Last evaluated: 2022-08-01. Review status: criteria provided, single submitter. Criteria: CeGaT Center For Human Genetics Tuebingen Variant Classification Criteria Version 2. Collection method: clinical testing. Allele origin: germline. Affected: yes. Observed: 1 variant allele.
Comment: TPM2: BS1, BS2

NM_003289.4(TPM2):c.-10C>G

Gene: TPM2 (tropomyosin 2; minus strand). Cytogenetic location: 9p13.3.
Variant type: single nucleotide variant.
Coding change: c.-10C>G on transcript NM_003289.4 (MANE Select); 10 bases upstream of the start codon, C replaced by G.
Molecular consequence: 5 prime UTR variant.
Genome position (GRCh38, 1-based): chr9:35,689,827, G>C on the plus strand (C>G on the coding strand, the complement: TPM2 is on the minus strand). VCF-style: chr9-35689827-G-C. GRCh37 (hg19) VCF-style: chr9-35689824-G-C.
Other names: c.-10C>G (NM_001301226.2, NM_001301227.2, NM_213674.1).
Identifiers: ClinVar variation 2659180 (VCV002659180.24), dbSNP rs372751531, ClinGen allele CA5047474.